The following is an entry in ClinVar:

ClinVar aggregate classification (germline): Uncertain significance (1 of 4 stars; one submission).

Allele frequency attached by ClinVar (database versions not stated): gnomAD exomes below 0.00001; TOPMed below 0.00001; gnomAD 0.00001.
gnomAD v4.1: 2 of 1,613,568 alleles (0.00012%); highest among the groups gnomAD compares: African/African-American, 0.0027%; no homozygotes.

Submission:

Labcorp Genetics (formerly Invitae), Labcorp
Classification: Uncertain significance. Last evaluated: 2022-08-16. Review status: criteria provided, single submitter. Criteria: Invitae Variant Classification Sherloc (09022015). Collection method: clinical testing. Allele origin: germline.
Comment: This variant is not present in population databases (gnomAD no frequency). This sequence change replaces leucine, which is neutral and non-polar, with histidine, which is basic and polar, at codon 1724 of the SBF1 protein (p.Leu1724His). This variant has not been reported in the literature in individuals affected with SBF1-related conditions. In summary, the available evidence is currently insufficient to determine the role of this variant in disease. Therefore, it has been classified as a Variant of Uncertain Significance. Algorithms developed to predict the effect of missense changes on protein structure and function are either unavailable or do not agree on the potential impact of this missense change (SIFT: "Deleterious"; PolyPhen-2: "Probably Damaging"; Align-GVGD: "Class C0"). ClinVar contains an entry for this variant (Variation ID: 1421381).

NM_002972.4(SBF1):c.5171T>A (p.Leu1724His)

Gene: SBF1 (SET binding factor 1; minus strand). Cytogenetic location: 22q13.33.
Variant type: single nucleotide variant.
Coding change: c.5171T>A on transcript NM_002972.4 (MANE Select); coding-DNA position 5171, T replaced by A.
Protein change: p.Leu1724His; replaces leucine 1724 with histidine.
Molecular consequence: missense variant.
Genome position (GRCh38, 1-based): chr22:50,448,425, A>T on the plus strand (T>A on the coding strand, the complement: SBF1 is on the minus strand). VCF-style: chr22-50448425-A-T. GRCh37 (hg19) VCF-style: chr22-50886854-A-T.
Other names: c.5096T>A, p.Leu1699His (NM_001365819.1); short protein forms L1699H, L1724H.
Identifiers: ClinVar variation 1421381 (VCV001421381.6), dbSNP rs2066918652, ClinGen allele CA412187359.